The following is an entry in ClinVar:

NM_001184.4(ATR):c.1380C>A (p.Ser460Arg)

Gene: ATR (ATR checkpoint kinase; minus strand). Cytogenetic location: 3q23.
Variant type: single nucleotide variant.
Coding change: c.1380C>A on transcript NM_001184.4 (MANE Select); coding-DNA position 1380, C replaced by A.
Protein change: p.Ser460Arg; replaces serine 460 with arginine.
Molecular consequence: missense variant. On other transcripts: intron variant (1).
Genome position (GRCh38, 1-based): chr3:142,560,424, G>T on the plus strand (C>A on the coding strand, the complement: ATR is on the minus strand). VCF-style: chr3-142560424-G-T. GRCh37 (hg19) VCF-style: chr3-142279266-G-T.
Other names: c.1349+819C>A (NM_001354579.2); short protein forms S460R.
Identifiers: ClinVar variation 2415520 (VCV002415520.6), dbSNP rs745945899, ClinGen allele CA2650607.

ClinVar aggregate classification (germline): Uncertain significance (1 of 4 stars; one submission).

Allele frequency attached by ClinVar (database versions not stated): gnomAD exomes below 0.00001; ExAC 0.00001.
gnomAD v4.1: 2 of 1,613,038 alleles (0.00012%); highest among the groups gnomAD compares: East Asian, 0.0045%; no homozygotes.

Submission:

Labcorp Genetics (formerly Invitae), Labcorp
Classification: Uncertain significance. Last evaluated: 2022-08-05. Review status: criteria provided, single submitter. Criteria: Invitae Variant Classification Sherloc (09022015). Collection method: clinical testing. Allele origin: germline.
Comment: In summary, the available evidence is currently insufficient to determine the role of this variant in disease. Therefore, it has been classified as a Variant of Uncertain Significance. Algorithms developed to predict the effect of missense changes on protein structure and function (SIFT, PolyPhen-2, Align-GVGD) all suggest that this variant is likely to be tolerated. This variant has not been reported in the literature in individuals affected with ATR-related conditions. This variant is present in population databases (rs745945899, gnomAD 0.006%). This sequence change replaces serine, which is neutral and polar, with arginine, which is basic and polar, at codon 460 of the ATR protein (p.Ser460Arg).